The following is an entry in ClinVar:

NM_001100913.3(PACS2):c.183C>T (p.Ser61=)

Gene: PACS2 (phosphofurin acidic cluster sorting protein 2; plus strand). Cytogenetic location: 14q32.33.
Variant type: single nucleotide variant.
Coding change: c.183C>T on transcript NM_001100913.3 (MANE Select); coding-DNA position 183, C replaced by T.
Protein change: p.Ser61=; no amino-acid change (serine 61 retained).
Molecular consequence: synonymous variant. On other transcripts: 5 prime UTR variant (1).
Genome position (GRCh38, 1-based): chr14:105,348,556, C>T. VCF-style: chr14-105348556-C-T. GRCh37 (hg19) VCF-style: chr14-105814893-C-T.
Other names: c.-19C>T (NM_001243127.3); c.183C>T, p.Ser61= (NM_015197.4); c.183C>T (NM_001100913.2).
Identifiers: ClinVar variation 1459783 (VCV001459783.32), dbSNP rs371815241, ClinGen allele CA7388271.

ClinVar aggregate classification (germline): Likely benign. Review status: criteria provided, multiple submitters, no conflicts (2 of 4 stars). 4 submissions from 4 submitters: Likely benign (4). Last evaluated 2025-10-21.

Conditions:
PACS2-related disorder. Also called: PACS2-related condition.

Allele frequency attached by ClinVar (database versions not stated): gnomAD exomes 0.00002 and 0.00004; ExAC 0.00003; gnomAD 0.00004 and 0.00005; TOPMed 0.00005; ESP Exome Variant Server 0.00008; 1000 Genomes Project 30x 0.00031; 1000 Genomes Project 0.00040.
gnomAD v4.1: 35 of 1,612,064 alleles (0.0022%); highest among the groups gnomAD compares: Middle Eastern, 0.033%; no homozygotes.

Submissions (4):

Labcorp Genetics (formerly Invitae), Labcorp
Classification: Likely benign. Last evaluated: 2025-10-21. Review status: criteria provided, single submitter. Criteria: Invitae Variant Classification Sherloc (09022015). Collection method: clinical testing. Allele origin: germline.

PreventionGenetics, part of Exact Sciences
Classification: Likely benign for PACS2-related condition. Last evaluated: 2024-11-27. Review status: criteria provided, single submitter. Criteria: ACMG Guidelines, 2015. Collection method: clinical testing. Allele origin: germline.
Comment: This variant is classified as likely benign based on ACMG/AMP sequence variant interpretation guidelines (Richards et al. 2015 PMID: 25741868, with internal and published modifications).

Blueprint Genetics
Classification: Likely benign. Last evaluated: 2024-10-02. Review status: criteria provided, single submitter. Criteria: ACMG Guidelines, 2015. Collection method: clinical testing. Allele origin: germline.

CeGaT Center for Human Genetics Tuebingen
Classification: Likely benign. Last evaluated: 2024-01-01. Review status: criteria provided, single submitter. Criteria: CeGaT Center For Human Genetics Tuebingen Variant Classification Criteria Version 2. Collection method: clinical testing. Allele origin: germline. Affected: yes. Observed: 1 variant allele.
Comment: PACS2: BP4, BP7